The following is an entry in ClinVar:

NM_000969.5(RPL5):c.3+3G>C

Gene: RPL5 (ribosomal protein L5; plus strand). Cytogenetic location: 1p22.1.
Variant type: single nucleotide variant.
Coding change: c.3+3G>C on transcript NM_000969.5 (MANE Select); 3 bases into the intron after coding-DNA position 3, G replaced by C.
Molecular consequence: intron variant.
Genome position (GRCh38, 1-based): chr1:92,832,120, G>C. VCF-style: chr1-92832120-G-C. GRCh37 (hg19) VCF-style: chr1-93297677-G-C.
Other names: c.3+3G>C (LRG_1155t1).
Identifiers: ClinVar variation 281749 (VCV000281749.61), dbSNP rs200628272, ClinGen allele CA952295.
Genomic context (GRCh38, chr1:92,832,120, plus strand): 5'-CCGCTGGGCCTGCAGGTCTCTGTCGAGCAGCGGACGCCGGTCTCTGTTCCGCAGGATGGT[G>C]AGTGGATGCCTCGGTCTCGGGGCTTTAGATGCATGGAGGTTCCCTTTTCTTGCCCGTATG-3'

ClinVar aggregate classification (germline): Benign/Likely benign. Review status: criteria provided, multiple submitters, no conflicts (2 of 4 stars). 15 submissions from 15 submitters: Benign (4); Likely benign (7). 4 of the submissions do not count toward it. Last evaluated 2026-04-01.

Conditions:
RPL5-related disorder. Also called: RPL5-related condition.
Diamond-Blackfan anemia 1 (DBA1). Also called: BLACKFAN-DIAMOND SYNDROME; ANEMIA, CONGENITAL HYPOPLASTIC, OF BLACKFAN AND DIAMOND; ANEMIA, CONGENITAL ERYTHROID HYPOPLASTIC; RED CELL APLASIA, PURE, HEREDITARY; AREGENERATIVE ANEMIA, CHRONIC CONGENITAL; ERYTHROGENESIS IMPERFECTA. Identifiers: Orphanet 124, MedGen C2676137, MONDO:0007110, OMIM 105650.
Diamond-Blackfan anemia. Also called: Blackfan Diamond syndrome; Aregenerative anemia chronic congenital; Red cell aplasia, pure hereditary; Congenital hypoplastic anemia; Aase syndrome. Identifiers: Orphanet 124, MedGen C1260899, MeSH D029503, MONDO:0015253, HP:0004810.
Diamond-Blackfan anemia 6 (DBA6). Also called: RPL5-Related Diamond-Blackfan Anemia. Identifiers: Orphanet 124, MedGen C2931850, MONDO:0012937, OMIM 612561.

Allele frequency attached by ClinVar (database versions not stated): 1000 Genomes Project 30x 0.00078; 1000 Genomes Project 0.00100; TOPMed 0.00243; gnomAD exomes 0.00249; ExAC 0.00255; gnomAD 0.00260 and 0.00274; ESP Exome Variant Server 0.00277.
gnomAD v4.1: 6,357 of 1,614,134 alleles (0.39%); highest among the groups gnomAD compares: Non-Finnish European, 0.51%; 14 homozygotes.

Submissions 1 to 28 of 44:

CeGaT Center for Human Genetics Tuebingen
Classification: Benign. Last evaluated: 2026-04-01. Review status: criteria provided, single submitter. Criteria: CeGaT Center For Human Genetics Tuebingen Variant Classification Criteria Version 2. Collection method: clinical testing. Allele origin: germline. Affected: yes. Observed: 8 variant alleles.
Comment: RPL5: BP4, BS1, BS2

Labcorp Genetics (formerly Invitae), Labcorp
Classification: Benign for Diamond-Blackfan anemia. Last evaluated: 2026-02-03. Review status: criteria provided, single submitter. Criteria: Invitae Variant Classification Sherloc (09022015). Collection method: clinical testing. Allele origin: germline.

ARUP Laboratories, Molecular Genetics and Genomics, ARUP Laboratories
Classification: Likely benign for Diamond-Blackfan anemia 6. Last evaluated: 2025-04-16. Review status: criteria provided, single submitter. Criteria: ARUP Molecular Germline Variant Investigation Process 2024. Collection method: clinical testing. Allele origin: germline.

Blueprint Genetics
Classification: Likely benign. Last evaluated: 2024-11-22. Review status: criteria provided, single submitter. Criteria: ACMG Guidelines, 2015. Collection method: clinical testing. Allele origin: germline.

Fulgent Genetics
Classification: Likely benign for Diamond-Blackfan anemia 6. Last evaluated: 2022-05-16. Review status: criteria provided, single submitter. Criteria: ACMG Guidelines, 2015. Collection method: clinical testing. Allele origin: unknown.

Genetic Services Laboratory, University of Chicago
Classification: Benign. Last evaluated: 2021-02-15. Review status: criteria provided, single submitter. Criteria: ACMG Guidelines, 2015. Collection method: clinical testing. Allele origin: germline. Affected: no.

GeneDx
Classification: Likely benign. Last evaluated: 2021-01-04. Review status: criteria provided, single submitter. Criteria: GeneDx Variant Classification Process June 2021. Collection method: clinical testing. Allele origin: germline. Affected: yes.
Comment: This variant is associated with the following publications: (PMID: 30306255, 19773262)

Mendelics
Classification: Likely benign for Diamond-Blackfan anemia 1. Last evaluated: 2019-05-28. Review status: criteria provided, single submitter. Criteria: Mendelics Assertion Criteria 2017. Collection method: clinical testing. Allele origin: unknown.

Illumina Laboratory Services, Illumina
Classification: Benign for Diamond-Blackfan anemia 6. Last evaluated: 2018-03-06. Review status: criteria provided, single submitter. Criteria: ICSL Variant Classification Criteria 13 December 2019. Collection method: clinical testing. Allele origin: germline.
Comment: This variant was observed in the ICSL laboratory as part of a predisposition screen in an ostensibly healthy population. It had not been previously curated by ICSL or reported in the Human Gene Mutation Database (HGMD: prior to June 1st, 2018), and was therefore a candidate for classification through an automated scoring system. Utilizing variant allele frequency, disease prevalence and penetrance estimates, and inheritance mode, an automated score was calculated to assess if this variant is too frequent to cause the disease. Based on the score and internal cut-off values, a variant classified as benign is not then subjected to further curation. The score for this variant resulted in a classification of benign for this disease.

Ambry Genetics
Classification: Likely benign for Diamond-Blackfan anemia. Last evaluated: 2016-06-01. Review status: criteria provided, single submitter. Criteria: Ambry Variant Classification Scheme 2023. Collection method: clinical testing. Allele origin: germline.

Eurofins Ntd Llc (ga)
Classification: Likely benign. Last evaluated: 2015-09-14. Review status: criteria provided, single submitter. Criteria: EGL Classification Definitions 2015. Collection method: clinical testing. Allele origin: germline. Observed: 2 variant alleles, 2 heterozygotes.

PreventionGenetics, part of Exact Sciences
Classification: Benign for RPL5-related condition. Last evaluated: 2020-01-21. Review status: no assertion criteria provided. Collection method: clinical testing. Allele origin: germline. Not counted in ClinVar's aggregate classification.
Comment: This variant is classified as benign based on ACMG/AMP sequence variant interpretation guidelines (Richards et al. 2015 PMID: 25741868, with internal and published modifications).

Clinical Genetics DNA and cytogenetics Diagnostics Lab, Erasmus MC, Erasmus Medical Center
Classification: Likely benign. Review status: no assertion criteria provided. Collection method: clinical testing. Allele origin: germline. Affected: yes. Study: VKGL Data-share Consensus. Not counted in ClinVar's aggregate classification.

Dr. Peter K. Rogan Lab, Western University
No classification provided (evidence only). Condition: Lung cancer. Review status: no classification provided. Collection method: in vitro. Allele origin: not applicable. Functional consequence: retained intron. Not counted in ClinVar's aggregate classification.

Dr. Peter K. Rogan Lab, Western University
No classification provided (evidence only). Condition: Lung cancer. Review status: no classification provided. Collection method: in vitro. Allele origin: not applicable. Functional consequence: retained intron. Not counted in ClinVar's aggregate classification.

Dr. Peter K. Rogan Lab, Western University
No classification provided (evidence only). Condition: Melanoma. Review status: no classification provided. Collection method: in vitro. Allele origin: not applicable. Functional consequence: retained intron. Not counted in ClinVar's aggregate classification.

Dr. Peter K. Rogan Lab, Western University
No classification provided (evidence only). Condition: Melanoma. Review status: no classification provided. Collection method: in vitro. Allele origin: not applicable. Functional consequence: retained intron. Not counted in ClinVar's aggregate classification.

Dr. Peter K. Rogan Lab, Western University
No classification provided (evidence only). Condition: Melanoma. Review status: no classification provided. Collection method: in vitro. Allele origin: not applicable. Functional consequence: retained intron. Not counted in ClinVar's aggregate classification.

Dr. Peter K. Rogan Lab, Western University
No classification provided (evidence only). Condition: Melanoma. Review status: no classification provided. Collection method: in vitro. Allele origin: not applicable. Functional consequence: retained intron. Not counted in ClinVar's aggregate classification.

Dr. Peter K. Rogan Lab, Western University
No classification provided (evidence only). Condition: Melanoma. Review status: no classification provided. Collection method: in vitro. Allele origin: not applicable. Functional consequence: retained intron. Not counted in ClinVar's aggregate classification.

Dr. Peter K. Rogan Lab, Western University
No classification provided (evidence only). Condition: Familial cancer of breast. Review status: no classification provided. Collection method: in vitro. Allele origin: not applicable. Functional consequence: retained intron. Not counted in ClinVar's aggregate classification.

Dr. Peter K. Rogan Lab, Western University
No classification provided (evidence only). Condition: Familial cancer of breast. Review status: no classification provided. Collection method: in vitro. Allele origin: not applicable. Functional consequence: retained intron. Not counted in ClinVar's aggregate classification.

Dr. Peter K. Rogan Lab, Western University
No classification provided (evidence only). Condition: Acute myeloid leukemia. Review status: no classification provided. Collection method: in vitro. Allele origin: not applicable. Functional consequence: retained intron. Not counted in ClinVar's aggregate classification.

Dr. Peter K. Rogan Lab, Western University
No classification provided (evidence only). Condition: Acute myeloid leukemia. Review status: no classification provided. Collection method: in vitro. Allele origin: not applicable. Functional consequence: retained intron. Not counted in ClinVar's aggregate classification.

Dr. Peter K. Rogan Lab, Western University
No classification provided (evidence only). Condition: Colorectal cancer. Review status: no classification provided. Collection method: in vitro. Allele origin: not applicable. Functional consequence: retained intron. Not counted in ClinVar's aggregate classification.

Dr. Peter K. Rogan Lab, Western University
No classification provided (evidence only). Condition: Colorectal cancer. Review status: no classification provided. Collection method: in vitro. Allele origin: not applicable. Functional consequence: retained intron. Not counted in ClinVar's aggregate classification.

Dr. Peter K. Rogan Lab, Western University
No classification provided (evidence only). Condition: Cervical cancer. Review status: no classification provided. Collection method: in vitro. Allele origin: not applicable. Functional consequence: retained intron. Not counted in ClinVar's aggregate classification.

Dr. Peter K. Rogan Lab, Western University
No classification provided (evidence only). Condition: Cervical cancer. Review status: no classification provided. Collection method: in vitro. Allele origin: not applicable. Functional consequence: retained intron. Not counted in ClinVar's aggregate classification.